The following is an entry in ClinVar:

ClinVar aggregate classification (germline): Uncertain significance (1 of 4 stars; one submission).

Allele frequency attached by ClinVar (database versions not stated): gnomAD exomes below 0.00001.
gnomAD v4.1: 4 of 1,605,484 alleles (0.00025%); highest among the groups gnomAD compares: Admixed American, 0.0034%; no homozygotes.

Submission:

Ambry Genetics
Classification: Uncertain significance. Last evaluated: 2024-11-05. Review status: criteria provided, single submitter. Criteria: Ambry Variant Classification Scheme 2023. Collection method: clinical testing. Allele origin: germline.
Comment: The p.S44C variant (also known as c.130A>T), located in coding exon 3 of the RINT1 gene, results from an A to T substitution at nucleotide position 130. The serine at codon 44 is replaced by cysteine, an amino acid with dissimilar properties. This amino acid position is conserved. In addition, this alteration is predicted to be tolerated by in silico analysis. Since supporting evidence is limited at this time, the clinical significance of this alteration remains unclear.

NM_021930.6(RINT1):c.130A>T (p.Ser44Cys)

Gene: RINT1 (RAD50 interactor 1; plus strand). Cytogenetic location: 7q22.3.
Variant type: single nucleotide variant.
Coding change: c.130A>T on transcript NM_021930.6 (MANE Select); coding-DNA position 130, A replaced by T.
Protein change: p.Ser44Cys; replaces serine 44 with cysteine.
Molecular consequence: missense variant. On other transcripts: synonymous variant (1), 5 prime UTR variant (3), non-coding transcript variant (1).
Genome position (GRCh38, 1-based): chr7:105,536,606, A>T. VCF-style: chr7-105536606-A-T. GRCh37 (hg19) VCF-style: chr7-105177053-A-T.
Other names: c.33A>T, p.Ser11= (NM_001346599.2); c.-890A>T (NM_001346600.2); c.-793A>T (NM_001346601.2); c.-413A>T (NM_001346603.2); short protein forms S44C.
Identifiers: ClinVar variation 1769607 (VCV001769607.3), dbSNP rs1015150939, ClinGen allele CA368800091.